The following is an entry in ClinVar:

ClinVar aggregate classification (germline): Uncertain significance. Review status: criteria provided, multiple submitters, no conflicts (2 of 4 stars). 2 submissions from 2 submitters: Uncertain significance (2). Last evaluated 2025-02-03.

Conditions:
Multiple sulfatase deficiency (MSD). Also called: Mucosulfatidosis; Multiple Sulfatase Deficiency Disease; Sulfatidosis, Juvenile, Austin Type. Identifiers: Orphanet 585, MedGen C0268263, MONDO:0010088, OMIM 272200.
Inborn genetic diseases. Identifiers: MedGen C0950123, MeSH D030342.

Allele frequency attached by ClinVar (database versions not stated): gnomAD exomes 0.00002; ExAC 0.00008; gnomAD 0.00017; TOPMed 0.00022; ESP Exome Variant Server 0.00046.
gnomAD v4.1: 50 of 1,614,036 alleles (0.0031%); highest among the groups gnomAD compares: African/African-American, 0.061%; no homozygotes.

Submissions (2):

Labcorp Genetics (formerly Invitae), Labcorp
Classification: Uncertain significance for Multiple sulfatase deficiency. Last evaluated: 2025-02-03. Review status: criteria provided, single submitter. Criteria: Invitae Variant Classification Sherloc (09022015). Collection method: clinical testing. Allele origin: germline.
Comment: This sequence change replaces histidine, which is basic and polar, with tyrosine, which is neutral and polar, at codon 190 of the SUMF1 protein (p.His190Tyr). This variant is present in population databases (rs140850433, gnomAD 0.07%). This variant has not been reported in the literature in individuals affected with SUMF1-related conditions. ClinVar contains an entry for this variant (Variation ID: 2044268). Invitae Evidence Modeling of protein sequence and biophysical properties (such as structural, functional, and spatial information, amino acid conservation, physicochemical variation, residue mobility, and thermodynamic stability) has been performed for this missense variant. However, the output from this modeling did not meet the statistical confidence thresholds required to predict the impact of this variant on SUMF1 protein function. In summary, the available evidence is currently insufficient to determine the role of this variant in disease. Therefore, it has been classified as a Variant of Uncertain Significance.

Ambry Genetics
Classification: Uncertain significance for Inborn genetic diseases. Last evaluated: 2024-10-03. Review status: criteria provided, single submitter. Criteria: Ambry Variant Classification Scheme 2023. Collection method: clinical testing. Allele origin: germline.

NM_182760.4(SUMF1):c.568C>T (p.His190Tyr)

Gene: SUMF1 (sulfatase modifying factor 1; minus strand). Cytogenetic location: 3p26.1.
Variant type: single nucleotide variant.
Coding change: c.568C>T on transcript NM_182760.4 (MANE Select); coding-DNA position 568, C replaced by T.
Protein change: p.His190Tyr; replaces histidine 190 with tyrosine.
Molecular consequence: missense variant.
Genome position (GRCh38, 1-based): chr3:4,420,098, G>A on the plus strand (C>T on the coding strand, the complement: SUMF1 is on the minus strand). VCF-style: chr3-4420098-G-A. GRCh37 (hg19) VCF-style: chr3-4461782-G-A.
Other names: c.568C>T (NM_182760.3); c.493C>T, p.His165Tyr (NM_001164674.2); c.568C>T, p.His190Tyr (NM_001164675.2); short protein forms H165Y, H190Y.
Identifiers: ClinVar variation 2044268 (VCV002044268.3), dbSNP rs140850433, ClinGen allele CA2230551.